The following is an entry in ClinVar:

ClinVar aggregate classification (germline): Uncertain significance (0 of 4 stars; one submission).

Conditions:
Prostate cancer. Also called: Malignant tumor of prostate. Identifiers: Orphanet 1331, MedGen C0376358, MONDO:0008315, HP:0012125.

Allele frequency attached by ClinVar (database versions not stated): gnomAD exomes below 0.00001; ExAC 0.00001; ESP Exome Variant Server 0.00008.
gnomAD v4.1: 4 of 1,614,186 alleles (0.00025%); highest among the groups gnomAD compares: Non-Finnish European, 0.00025%; no homozygotes.

Submission:

Science for Life laboratory,  Karolinska Institutet
Classification: Uncertain significance for Malignant tumor of prostate. Review status: no assertion criteria provided. Collection method: not provided. Allele origin: somatic.
Comment: TumorID:SWE-90A
ClinVar note: Converted during submission from Unknown to Uncertain significance.

NM_018358.3(ABCF3):c.1327C>T (p.Arg443Trp)

Gene: ABCF3 (ATP binding cassette subfamily F member 3; plus strand). Cytogenetic location: 3q27.1.
Variant type: single nucleotide variant.
Coding change: c.1327C>T on transcript NM_018358.3 (MANE Select); coding-DNA position 1327, C replaced by T.
Protein change: p.Arg443Trp; replaces arginine 443 with tryptophan.
Molecular consequence: missense variant.
Genome position (GRCh38, 1-based): chr3:184,189,867, C>T. VCF-style: chr3-184189867-C-T. GRCh37 (hg19) VCF-style: chr3-183907655-C-T.
Other names: c.1309C>T, p.Arg437Trp (NM_001351298.2); c.598C>T, p.Arg200Trp (NM_001351299.2); c.664C>T, p.Arg222Trp (NM_001351300.2); short protein forms R443W, R437W, R222W, R200W.
Identifiers: ClinVar variation 161716 (VCV000161716.2), dbSNP rs143852274, ClinGen allele CA174652.
Genomic context (GRCh38, chr3:184,189,867, plus strand): 5'-GGGGATAGTGGGGGAATTTGACCAATGCCTACACTCCTCCACCTGCAGGTTTTCATTGAC[C>T]GGTTTCGCTACAATGCCAACAGGGCCTCTCAAGTGCAGAGTAAACTCAAGATGCTGGAGA-3'
Protein context (NP_060828.2, residues 433-453): YRQHIQVFID[Arg443Trp]FRYNANRASQ